The following is an entry in ClinVar:

NM_000836.4(GRIN2D):c.3252C>G (p.Gly1084=)

Gene: GRIN2D (glutamate ionotropic receptor NMDA type subunit 2D; plus strand). Cytogenetic location: 19q13.33.
Variant type: single nucleotide variant.
Coding change: c.3252C>G on transcript NM_000836.4 (MANE Select); coding-DNA position 3252, C replaced by G.
Protein change: p.Gly1084=; no amino-acid change (glycine 1084 retained).
Molecular consequence: synonymous variant.
Genome position (GRCh38, 1-based): chr19:48,443,178, C>G. VCF-style: chr19-48443178-C-G. GRCh37 (hg19) VCF-style: chr19-48946435-C-G.
Other names: c.3252C>G (NM_000836.2).
Identifiers: ClinVar variation 1570653 (VCV001570653.9), dbSNP rs767835297, ClinGen allele CA9550821.

ClinVar aggregate classification (germline): Likely benign. Review status: criteria provided, multiple submitters, no conflicts (2 of 4 stars). 2 submissions from 2 submitters: Likely benign (2). Last evaluated 2024-11-25.

Conditions:
GRIN2D-related disorder. Also called: GRIN2D-related condition.

Allele frequency attached by ClinVar (database versions not stated): gnomAD 0.00001 and 0.00004; TOPMed 0.00001.
gnomAD v4.1: 16 of 1,069,390 alleles (0.0015%); highest among the groups gnomAD compares: South Asian, 0.06%; no homozygotes.

Submissions (2):

PreventionGenetics, part of Exact Sciences
Classification: Likely benign for GRIN2D-related condition. Last evaluated: 2024-11-25. Review status: criteria provided, single submitter. Criteria: ACMG Guidelines, 2015. Collection method: clinical testing. Allele origin: germline.
Comment: This variant is classified as likely benign based on ACMG/AMP sequence variant interpretation guidelines (Richards et al. 2015 PMID: 25741868, with internal and published modifications).

Labcorp Genetics (formerly Invitae), Labcorp
Classification: Likely benign. Last evaluated: 2024-11-18. Review status: criteria provided, single submitter. Criteria: Invitae Variant Classification Sherloc (09022015). Collection method: clinical testing. Allele origin: germline.